The following is an entry in ClinVar:

ClinVar aggregate classification (germline): Uncertain significance (1 of 4 stars; one submission).

Conditions:
Hypertrophic cardiomyopathy 1 (CMH1). Also called: MYH7-Related Familial Hypertrophic Cardiomyopathy; Familial hypertrophic cardiomyopathy 1. Identifiers: MedGen C3495498, MONDO:0008647, OMIM 192600.

Submission:

Labcorp Genetics (formerly Invitae), Labcorp
Classification: Uncertain significance for Hypertrophic cardiomyopathy 1. Last evaluated: 2025-03-27. Review status: criteria provided, single submitter. Criteria: Invitae Variant Classification Sherloc (09022015). Collection method: clinical testing. Allele origin: germline.
Comment: This sequence change replaces glycine, which is neutral and non-polar, with valine, which is neutral and non-polar, at codon 83 of the MYLK2 protein (p.Gly83Val). This variant is not present in population databases (gnomAD no frequency). This variant has not been reported in the literature in individuals affected with MYLK2-related conditions. Invitae Evidence Modeling of protein sequence and biophysical properties (such as structural, functional, and spatial information, amino acid conservation, physicochemical variation, residue mobility, and thermodynamic stability) indicates that this missense variant is not expected to disrupt MYLK2 protein function with a negative predictive value of 80%. In summary, the available evidence is currently insufficient to determine the role of this variant in disease. Therefore, it has been classified as a Variant of Uncertain Significance.

NM_033118.4(MYLK2):c.248G>T (p.Gly83Val)

Gene: MYLK2 (myosin light chain kinase 2; plus strand). Cytogenetic location: 20q11.21.
Variant type: single nucleotide variant.
Coding change: c.248G>T on transcript NM_033118.4 (MANE Select); coding-DNA position 248, G replaced by T.
Protein change: p.Gly83Val; replaces glycine 83 with valine.
Molecular consequence: missense variant.
Genome position (GRCh38, 1-based): chr20:31,820,321, G>T. VCF-style: chr20-31820321-G-T. GRCh37 (hg19) VCF-style: chr20-30408124-G-T.
Other names: short protein forms G83V.
Identifiers: ClinVar variation 4708741 (VCV004708741.1).